The following is an entry in ClinVar:

ClinVar aggregate classification (germline): Uncertain significance (1 of 4 stars; one submission).

Submission:

GeneDx
Classification: Uncertain significance. Last evaluated: 2024-05-21. Review status: criteria provided, single submitter. Criteria: GeneDx Variant Classification Process June 2021. Collection method: clinical testing. Allele origin: germline. Affected: yes.
Comment: Not observed at significant frequency in large population cohorts (gnomAD); In silico analysis supports that this missense variant has a deleterious effect on protein structure/function; Has not been previously published as pathogenic or benign to our knowledge

NM_020987.5(ANK3):c.2281A>G (p.Lys761Glu)

Gene: ANK3 (ankyrin 3; minus strand). Cytogenetic location: 10q21.2.
Variant type: single nucleotide variant.
Coding change: c.2281A>G on transcript NM_020987.5 (MANE Select); coding-DNA position 2281, A replaced by G.
Protein change: p.Lys761Glu; replaces lysine 761 with glutamic acid.
Molecular consequence: missense variant.
Genome position (GRCh38, 1-based): chr10:60,173,090, T>C on the plus strand (A>G on the coding strand, the complement: ANK3 is on the minus strand). VCF-style: chr10-60173090-T-C. GRCh37 (hg19) VCF-style: chr10-61932848-T-C.
Other names: c.2263A>G, p.Lys755Glu (NM_001204403.2); c.2230A>G, p.Lys744Glu (NM_001204404.2); c.2281A>G, p.Lys761Glu (NM_001320874.2); short protein forms K744E, K755E, K761E.
Identifiers: ClinVar variation 3381574 (VCV003381574.1).